The following is an entry in ClinVar:

NM_000334.4(SCN4A):c.3788del (p.Pro1263fs)

Genes: GH-LCR (growth hormone locus control region; plus strand), SCN4A (sodium voltage-gated channel alpha subunit 4; minus strand). Cytogenetic location: 17q23.3.
Variant type: Deletion.
Coding change: c.3788del on transcript NM_000334.4 (MANE Select); coding-DNA position 3788, one base deleted (C; older notation c.3788delC).
Protein change: p.Pro1263fs; shifts the reading frame from proline 1263.
Molecular consequence: frameshift variant.
Genome position (GRCh38, 1-based): chr17:63,944,797, G deleted on the plus strand (C on the coding strand, the reverse complement: SCN4A is on the minus strand); the first of 2 consecutive G bases (chr17:63,944,797-63,944,798); deleting either gives the same sequence. VCF-style (leftmost placement, unchanged base first): chr17-63944796-CG-C. GRCh37 (hg19) VCF-style: chr17-62022156-CG-C.
Other names: short protein forms P1263fs.
Identifiers: ClinVar variation 5037992 (VCV005037992.2).

ClinVar aggregate classification (germline): Likely pathogenic (1 of 4 stars; one submission).

Conditions:
Paramyotonia congenita of Von Eulenburg. Also called: Paramyotonia Congenita; Eulenburg disease; Myotonia congenita intermittens; PARALYSIS PERIODICA PARAMYOTONICA; Von Eulenburg paramyotonia congenita. Identifiers: Orphanet 684, MedGen C0221055, MONDO:0008195, OMIM 168300. Disease mechanism: loss of function.
Congenital myopathy 22A, classic (CMYO22A). Identifiers: MedGen C5830453, MONDO:0957247, OMIM 620351.
Hypokalemic periodic paralysis, type 2 (HOKPP2). Identifiers: Orphanet 681, MedGen C2750061, MONDO:0013234, OMIM 613345.
Congenital myopathy 22B, severe fetal (CMYO22B). Identifiers: MedGen C5830501, MONDO:0957265, OMIM 620369.
Hyperkalemic periodic paralysis. Also called: Familial hyperkalemic periodic paralysis; Gamstorp disease. Identifiers: Orphanet 682, MedGen C0238357, MONDO:0008224, OMIM 170500, HP:0007215.
Potassium-aggravated myotonia. Also called: Myotonia congenita, atypical, acetazolamide-responsive; MYOTONIA CONGENITA, ACETAZOLAMIDE-RESPONSIVE; MYOTONIA CONGENITA, ATYPICAL; SODIUM CHANNEL MUSCLE DISEASE. Identifiers: Orphanet 612, Orphanet 99734, Orphanet 99735, Orphanet 99736, MedGen C2931826, MONDO:0018959, OMIM 608390.
Congenital myasthenic syndrome 16. Identifiers: Orphanet 590, MedGen C3280112, MONDO:0013620, OMIM 614198.

Submission:

Juno Genomics, Hangzhou Juno Genomics, Inc
Classification: Likely pathogenic for Congenital myopathy 22A, classic; Congenital myopathy 22B, severe fetal; Hyperkalemic periodic paralysis; Hypokalemic periodic paralysis, type 2; Congenital myasthenic syndrome 16; Potassium-aggravated myotonia; Paramyotonia congenita of Von Eulenburg. Review status: criteria provided, single submitter. Criteria: ACMG Guidelines, 2015. Collection method: clinical testing. Allele origin: germline.
Comment: Absent from controls (or at extremely low frequency if recessive) in Genome Aggregation Database.;Null variant in a gene where loss of function (LOF) is a known mechanism of disease.